The following is an entry in ClinVar:

NM_000252.3(MTM1):c.946G>A (p.Val316Ile)

Gene: MTM1 (myotubularin 1; plus strand). Cytogenetic location: Xq28.
Variant type: single nucleotide variant.
Coding change: c.946G>A on transcript NM_000252.3 (MANE Select); coding-DNA position 946, G replaced by A.
Protein change: p.Val316Ile; replaces valine 316 with isoleucine.
Molecular consequence: missense variant.
Genome position (GRCh38, 1-based): chrX:150,649,794, G>A. VCF-style: chrX-150649794-G-A. GRCh37 (hg19) VCF-style: chrX-149818267-G-A.
Other names: c.946G>A, p.Val316Ile (NM_001376906.1, NM_001376908.1); c.835G>A, p.Val279Ile (NM_001376907.1); c.946G>A (NM_000252.2); short protein forms V316I, V279I.
Identifiers: ClinVar variation 1485936 (VCV001485936.7), dbSNP rs2148497828, ClinGen allele CA415257010.

ClinVar aggregate classification (germline): Uncertain significance. Review status: criteria provided, multiple submitters, no conflicts (2 of 4 stars). 2 submissions from 2 submitters: Uncertain significance (2). Last evaluated 2025-05-15.

Conditions:
Severe X-linked myotubular myopathy (CNMX). Also called: MYOTUBULAR MYOPATHY 1; X-linked centronuclear myopathy; Myotubular myopathy, X-linked. Identifiers: Orphanet 596, MedGen C0410203, MONDO:0010683, OMIM 310400.
Inborn genetic diseases. Identifiers: MedGen C0950123, MeSH D030342.

Submissions (2):

Ambry Genetics
Classification: Uncertain significance for Inborn genetic diseases. Last evaluated: 2025-05-15. Review status: criteria provided, single submitter. Criteria: Ambry Variant Classification Scheme 2023. Collection method: clinical testing. Allele origin: germline.

Labcorp Genetics (formerly Invitae), Labcorp
Classification: Uncertain significance for Severe X-linked myotubular myopathy. Last evaluated: 2021-10-19. Review status: criteria provided, single submitter. Criteria: Invitae Variant Classification Sherloc (09022015). Collection method: clinical testing. Allele origin: germline.
Comment: In summary, the available evidence is currently insufficient to determine the role of this variant in disease. Therefore, it has been classified as a Variant of Uncertain Significance. Algorithms developed to predict the effect of missense changes on protein structure and function are either unavailable or do not agree on the potential impact of this missense change (SIFT: "Tolerated"; PolyPhen-2: "Probably Damaging"; Align-GVGD: "Class C0"). This variant has not been reported in the literature in individuals with MTM1-related conditions. This variant is not present in population databases (ExAC no frequency). This sequence change replaces valine with isoleucine at codon 316 of the MTM1 protein (p.Val316Ile). The valine residue is highly conserved and there is a small physicochemical difference between valine and isoleucine.